The following is an entry in ClinVar:

NM_213622.4(STAMBP):c.401G>A (p.Arg134Gln)

Gene: STAMBP (STAM binding protein; plus strand). Cytogenetic location: 2p13.1.
Variant type: single nucleotide variant.
Coding change: c.401G>A on transcript NM_213622.4 (MANE Select); coding-DNA position 401, G replaced by A.
Protein change: p.Arg134Gln; replaces arginine 134 with glutamine.
Molecular consequence: missense variant. On other transcripts: 5 prime UTR variant (6), non-coding transcript variant (4).
Genome position (GRCh38, 1-based): chr2:73,847,412, G>A. VCF-style: chr2-73847412-G-A. GRCh37 (hg19) VCF-style: chr2-74074539-G-A.
Other names: c.401G>A, p.Arg134Gln (NM_001353967.2, NM_001353968.2, NM_001353969.2 and 3 more transcripts); c.-5G>A (NM_001353971.2, NM_001353972.2, NM_001353973.2 and 3 more transcripts); c.401G>A (NM_213622.2); short protein forms R134Q.
Identifiers: ClinVar variation 2167484 (VCV002167484.3), dbSNP rs141275418, ClinGen allele CA1717545.

ClinVar aggregate classification (germline): Uncertain significance. Review status: criteria provided, multiple submitters, no conflicts (2 of 4 stars). 3 submissions from 3 submitters: Uncertain significance (3). Last evaluated 2025-04-29.

Conditions:
Inborn genetic diseases. Identifiers: MedGen C0950123, MeSH D030342.

Allele frequency attached by ClinVar (database versions not stated): ESP Exome Variant Server 0.00008; TOPMed 0.00009; 1000 Genomes Project 30x 0.00016.
gnomAD v4.1: 100 of 1,609,388 alleles (0.0062%); highest among the groups gnomAD compares: Admixed American, 0.017%; no homozygotes.

Submissions (3):

Ambry Genetics
Classification: Uncertain significance for Inborn genetic diseases. Last evaluated: 2025-04-29. Review status: criteria provided, single submitter. Criteria: Ambry Variant Classification Scheme 2023. Collection method: clinical testing. Allele origin: germline.

Blueprint Genetics
Classification: Uncertain significance. Last evaluated: 2024-09-06. Review status: criteria provided, single submitter. Criteria: ACMG Guidelines, 2015. Collection method: clinical testing. Allele origin: germline.

Labcorp Genetics (formerly Invitae), Labcorp
Classification: Uncertain significance. Last evaluated: 2022-06-15. Review status: criteria provided, single submitter. Criteria: Invitae Variant Classification Sherloc (09022015). Collection method: clinical testing. Allele origin: germline.
Comment: This sequence change replaces arginine, which is basic and polar, with glutamine, which is neutral and polar, at codon 134 of the STAMBP protein (p.Arg134Gln). This variant is present in population databases (rs141275418, gnomAD 0.01%). This variant has not been reported in the literature in individuals affected with STAMBP-related conditions. Algorithms developed to predict the effect of missense changes on protein structure and function output the following: SIFT: "Deleterious"; PolyPhen-2: "Benign"; Align-GVGD: "Class C0". The glutamine amino acid residue is found in multiple mammalian species, which suggests that this missense change does not adversely affect protein function. In summary, the available evidence is currently insufficient to determine the role of this variant in disease. Therefore, it has been classified as a Variant of Uncertain Significance.